The following is an entry in ClinVar:

ClinVar aggregate classification (germline): Uncertain significance (1 of 4 stars; one submission).

Conditions:
Pheochromocytoma. Also called: MAX-Related Hereditary Paraganglioma-Pheochromocytoma Syndrome. Identifiers: Orphanet 29072, MedGen C0031511, MONDO:0008233, OMIM 171300, HP:0002666.
Pheochromocytoma/paraganglioma syndrome 4. Also called: CAROTID BODY TUMORS AND MULTIPLE EXTRAADRENAL PHEOCHROMOCYTOMAS; PARAGANGLIOMA, FAMILIAL MALIGNANT; PARAGANGLIOMAS, HEREDITARY EXTRAADRENAL; PHEOCHROMOCYTOMA, FAMILIAL EXTRAADRENAL; Paragangliomas 4; SDHB-Related Hereditary Paraganglioma-Pheochromocytoma Syndrome (Paragangliomas 4). Identifiers: Orphanet 29072, MedGen C1861848, MONDO:0007273, OMIM 115310.
Gastrointestinal stromal tumor. Also called: Gastrointestinal stromal tumor, somatic; Gastrointestinal stroma tumor. Identifiers: Orphanet 44890, MedGen C0238198, MeSH D046152, MONDO:0011719, OMIM 606764, HP:0100723.

gnomAD v4.1: 1 of 1,596,904 alleles (0.000063%); highest among the groups gnomAD compares: Non-Finnish European, 0.000086%; no homozygotes.

Submission:

Labcorp Genetics (formerly Invitae), Labcorp
Classification: Uncertain significance for Gastrointestinal stromal tumor; Pheochromocytoma/paraganglioma syndrome 4; Pheochromocytoma. Last evaluated: 2024-03-09. Review status: criteria provided, single submitter. Criteria: Invitae Variant Classification Sherloc (09022015). Collection method: clinical testing. Allele origin: germline.
Comment: This sequence change falls in intron 7 of the SDHB gene. It does not directly change the encoded amino acid sequence of the SDHB protein. This variant is present in population databases (rs764788311, gnomAD 0.0009%). This variant has not been reported in the literature in individuals affected with SDHB-related conditions. Algorithms developed to predict the effect of sequence changes on RNA splicing suggest that this variant may disrupt the consensus splice site. In summary, the available evidence is currently insufficient to determine the role of this variant in disease. Therefore, it has been classified as a Variant of Uncertain Significance.

NM_003000.3(SDHB):c.766-10T>C

Genes: SDHB (succinate dehydrogenase complex iron sulfur subunit B; minus strand), LOC129929541 (ATAC-STARR-seq lymphoblastoid active region 276; plus strand). Cytogenetic location: 1p36.13.
Variant type: single nucleotide variant.
Coding change: c.766-10T>C on transcript NM_003000.3 (MANE Select); 10 bases into the intron before coding-DNA position 766, T replaced by C.
Molecular consequence: intron variant.
Genome position (GRCh38, 1-based): chr1:17,018,968, A>G on the plus strand (T>C on the coding strand, the complement: SDHB is on the minus strand). VCF-style: chr1-17018968-A-G. GRCh37 (hg19) VCF-style: chr1-17345463-A-G.
Other names: c.712-10T>C (NM_001407361.1).
Identifiers: ClinVar variation 3748116 (VCV003748116.2).